The following is an entry in ClinVar:

ClinVar aggregate classification (germline): Pathogenic. Review status: criteria provided, multiple submitters, no conflicts (2 of 4 stars). 5 submissions from 5 submitters: Pathogenic (4). 1 of the submissions does not count toward it. Last evaluated 2022-07-29.

Conditions:
Duchenne muscular dystrophy (DMD). Also called: Duchenne Muscular Dystrophy (DMD); MUSCULAR DYSTROPHY, PSEUDOHYPERTROPHIC PROGRESSIVE, DUCHENNE TYPE. Identifiers: Orphanet 98896, MedGen C0013264, MONDO:0010679, OMIM 310200.
DMD-related disorder. Also called: DMD-related condition.
Cardiovascular phenotype. Identifiers: MedGen CN230736.
Cardiomyopathy (CMYO). Also called: Cardiomyopathies. Identifiers: Orphanet 167848, MedGen C0878544, MONDO:0004994, HP:0001638. Inheritance: Various modes of inheritance.
Becker muscular dystrophy (BMD). Also called: Becker Muscular Dystrophy (BMD); MUSCULAR DYSTROPHY, PSEUDOHYPERTROPHIC PROGRESSIVE, BECKER TYPE. Identifiers: Orphanet 98895, MedGen C0917713, MONDO:0010311, OMIM 300376.
Dystrophin deficiency.

Submissions (5):

GeneDx
Classification: Pathogenic. Last evaluated: 2022-07-29. Review status: criteria provided, single submitter. Criteria: GeneDx Variant Classification Process June 2021. Collection method: clinical testing. Allele origin: germline. Affected: yes.
Comment: Nonsense variant predicted to result in protein truncation or nonsense mediated decay in a gene for which loss of function is a known mechanism of disease; Not observed at significant frequency in large population cohorts (gnomAD); Based on the understanding of this genetic alteration, it may be amenable to nonsense read-through therapy that is currently available or in clinical trial; This variant is associated with the following publications: (PMID: 25525159, 16566881, 31081998)

Labcorp Genetics (formerly Invitae), Labcorp
Classification: Pathogenic for Duchenne muscular dystrophy. Last evaluated: 2020-02-14. Review status: criteria provided, single submitter. Criteria: Invitae Variant Classification Sherloc (09022015). Collection method: clinical testing. Allele origin: germline.
Comment: This variant is not present in population databases (ExAC no frequency). This sequence change creates a premature translational stop signal (p.Gln2806*) in the DMD gene. It is expected to result in an absent or disrupted protein product. This variant has been observed in individual(s) with Duchenne or Becker muscular dystrophy (PMID: 16566881). For these reasons, this variant has been classified as Pathogenic. Loss-of-function variants in DMD are known to be pathogenic (PMID: 16770791, 25007885).

Blueprint Genetics
Classification: Pathogenic for DMD-related disorders. Last evaluated: 2019-09-02. Review status: criteria provided, single submitter. Criteria: ACMG Guidelines, 2015. Collection method: clinical testing. Allele origin: germline. Affected: yes. Observed: 1 variant allele.

Ambry Genetics
Classification: Pathogenic for Cardiovascular phenotype. Last evaluated: 2019-07-15. Review status: criteria provided, single submitter. Criteria: Ambry Variant Classification Scheme 2023. Collection method: clinical testing. Allele origin: germline.
Comment: The p.Q2806* pathogenic mutation (also known as c.8416C>T), located in coding exon 57 of the DMD gene, results from a C to T substitution at nucleotide position 8416. This changes the amino acid from a glutamine to a stop codon within coding exon 57. This mutation has been reported in multiple male individuals with Duchenne muscular dystrophy (Tay SK et al. J. Child Neurol., 2006 Feb;21:150-5; Taylor PJ et al. J. Med. Genet., 2007 Jun;44:368-72; Okubo M et al. Orphanet J Rare Dis, 2017 08;12:149; Tomar S et al. Am J Med Genet C Semin Med Genet, 2019 Jun;181:230-244). In addition to the clinical data presented in the literature, this alteration is expected to result in loss of function by premature protein truncation or nonsense-mediated mRNA decay. As such, this alteration is interpreted as a disease-causing mutation.

Natera, Inc.
Classification: Pathogenic for Becker muscular dystrophy; Cardiomyopathy; Duchenne muscular dystrophy; Dystrophin deficiency. Last evaluated: 2020-08-20. Review status: no assertion criteria provided. Collection method: clinical testing. Allele origin: germline. Not counted in ClinVar's aggregate classification.

Literature cited by the submitters: PubMed 16566881 (cited by Labcorp Genetics (formerly Invitae), Labcorp and Ambry Genetics); PubMed 16770791 (cited by Labcorp Genetics (formerly Invitae), Labcorp); PubMed 25007885 (cited by Labcorp Genetics (formerly Invitae), Labcorp); PubMed 17259292 (cited by Ambry Genetics); PubMed 28859693 (cited by Ambry Genetics); PubMed 31081998 (cited by Ambry Genetics).

NM_004006.3(DMD):c.8416C>T (p.Gln2806Ter)

Gene: DMD (dystrophin; minus strand). Cytogenetic location: Xp21.2.
Variant type: single nucleotide variant.
Coding change: c.8416C>T on transcript NM_004006.3 (MANE Select); coding-DNA position 8416, C replaced by T.
Protein change: p.Gln2806Ter; replaces glutamine 2806 with a stop codon.
Molecular consequence: nonsense.
Genome position (GRCh38, 1-based): chrX:31,496,919, G>A on the plus strand (C>T on the coding strand, the complement: DMD is on the minus strand). VCF-style: chrX-31496919-G-A. GRCh37 (hg19) VCF-style: chrX-31515036-G-A.
Other names: c.8392C>T, p.Gln2798Ter (NM_000109.4); c.8404C>T, p.Gln2802Ter (NM_004009.3); c.8047C>T, p.Gln2683Ter (NM_004010.3); c.4393C>T, p.Gln1465Ter (NM_004011.4); c.4384C>T, p.Gln1462Ter (NM_004012.4); c.1036C>T, p.Gln346Ter (NM_004013.3, NM_004020.4, NM_004021.3 and 2 more transcripts); c.229C>T, p.Gln77Ter (NM_004014.3); short protein forms Q1462*, Q1465*, Q2683*, Q2798*, Q2802*, Q2806*, Q346*, Q77*.
Identifiers: ClinVar variation 1071901 (VCV001071901.18), dbSNP rs2147076500, ClinGen allele CA412655637.